The following is an entry in ClinVar:

NM_001134363.3(RBM20):c.1915G>A (p.Val639Met)

Gene: RBM20 (RNA binding motif protein 20; plus strand). Cytogenetic location: 10q25.2.
Variant type: single nucleotide variant.
Coding change: c.1915G>A on transcript NM_001134363.3 (MANE Select); coding-DNA position 1915, G replaced by A.
Protein change: p.Val639Met; replaces valine 639 with methionine.
Molecular consequence: missense variant.
Genome position (GRCh38, 1-based): chr10:110,812,312, G>A. VCF-style: chr10-110812312-G-A. GRCh37 (hg19) VCF-style: chr10-112572070-G-A.
Other names: short protein forms V639M.
Identifiers: ClinVar variation 1018403 (VCV001018403.10), dbSNP rs1844778442, ClinGen allele CA378370339.
Genomic context (GRCh38, chr10:110,812,312, plus strand): 5'-AATCCTGCTCCTTGGCTCCCTCACAGATATGGCCCAGAAAGGCCGCGGTCTCGTAGTCCG[G>A]TGAGCCGGTCACTCTCCCCGAGGTCCCACACTCCCAGCTTCACCTCCTGCAGCTCTTCCC-3'
Protein context (NP_001127835.2, residues 629-649): GPERPRSRSP[Val639Met]SRSLSPRSHT

ClinVar aggregate classification (germline): Uncertain significance. Review status: criteria provided, multiple submitters, no conflicts (2 of 4 stars). 2 submissions from 2 submitters: Uncertain significance (2). Last evaluated 2025-09-08.

Conditions:
Cardiovascular phenotype. Identifiers: MedGen CN230736.
Dilated cardiomyopathy 1DD (CMD1DD). Identifiers: Orphanet 154, MedGen C2750995, MONDO:0013168, OMIM 613172.

Submissions (2):

Labcorp Genetics (formerly Invitae), Labcorp
Classification: Uncertain significance for Dilated cardiomyopathy 1DD. Last evaluated: 2025-09-08. Review status: criteria provided, single submitter. Criteria: Invitae Variant Classification Sherloc (09022015). Collection method: clinical testing. Allele origin: germline.
Comment: This sequence change replaces valine, which is neutral and non-polar, with methionine, which is neutral and non-polar, at codon 639 of the RBM20 protein (p.Val639Met). This variant is not present in population databases (gnomAD no frequency). This variant has not been reported in the literature in individuals affected with RBM20-related conditions. ClinVar contains an entry for this variant (Variation ID: 1018403). Invitae Evidence Modeling of protein sequence and biophysical properties (such as structural, functional, and spatial information, amino acid conservation, physicochemical variation, residue mobility, and thermodynamic stability) indicates that this missense variant is not expected to disrupt RBM20 protein function with a negative predictive value of 95%. In summary, the available evidence is currently insufficient to determine the role of this variant in disease. Therefore, it has been classified as a Variant of Uncertain Significance.

Ambry Genetics
Classification: Uncertain significance for Cardiovascular phenotype. Last evaluated: 2021-10-13. Review status: criteria provided, single submitter. Criteria: Ambry Variant Classification Scheme 2023. Collection method: clinical testing. Allele origin: germline.
Comment: The p.V639M variant (also known as c.1915G>A), located in coding exon 9 of the RBM20 gene, results from a G to A substitution at nucleotide position 1915. The valine at codon 639 is replaced by methionine, an amino acid with highly similar properties. This amino acid position is conserved. In addition, this alteration is predicted to be tolerated by in silico analysis. Since supporting evidence is limited at this time, the clinical significance of this alteration remains unclear.